The following is an entry in ClinVar:

ClinVar aggregate classification (germline): Likely benign (1 of 4 stars; one submission).

gnomAD v4.1: 15 of 1,613,238 alleles (0.00093%); highest among the groups gnomAD compares: Middle Eastern, 0.033%; no homozygotes.

Submission:

Women's Health and Genetics/Laboratory Corporation of America, LabCorp
Classification: Likely benign. Last evaluated: 2026-05-08. Review status: criteria provided, single submitter. Criteria: LabCorp Variant Classification Summary - May 2015. Collection method: clinical testing. Allele origin: germline.
Comment: Variant summary: NCKAP1L c.2604+13C>G alters a nucleotide located at a position not widely known to affect splicing. Consensus agreement among computation tools predict no significant impact on normal splicing. However, these predictions have yet to be confirmed by functional studies. The variant was absent in 251310 control chromosomes. The available data on variant occurrences in the general population are insufficient to allow any conclusion about variant significance. To our knowledge, no occurrence of c.2604+13C>G in individuals affected with NCKAP1L-related conditions and no experimental evidence demonstrating its impact on protein function have been reported. No submitters have cited clinical-significance assessments for this variant to ClinVar. Based on the evidence outlined above, the variant was classified as likely benign.

NM_005337.5(NCKAP1L):c.2604+13C>G

Gene: NCKAP1L (NCK associated protein 1 like; plus strand). Cytogenetic location: 12q13.2.
Variant type: single nucleotide variant.
Coding change: c.2604+13C>G on transcript NM_005337.5 (MANE Select); 13 bases into the intron after coding-DNA position 2604, C replaced by G.
Molecular consequence: intron variant.
Genome position (GRCh38, 1-based): chr12:54,531,370, C>G. VCF-style: chr12-54531370-C-G. GRCh37 (hg19) VCF-style: chr12-54925154-C-G.
Other names: c.2454+13C>G (NM_001184976.2).
Identifiers: ClinVar variation 4853455 (VCV004853455.1).
Genomic context (GRCh38, chr12:54,531,370, plus strand): 5'-AGTGAAAACCTGATGTGGCATGTGACCTCTCAGATTGTGGAGCTGAAGGTACTATGGAAA[C>G]AATCCCTTGGGGAAAAGATCCTACCTTGAGGAAAGAGGGTGGGTATAGGAGACTGGGGGG-3'